The following is an entry in ClinVar:

NC_000002.11:g.(?_228029443)_(228176586_?)del

Gene: COL4A3 (collagen type IV alpha 3 chain; plus strand). Cytogenetic location: 2q36.3.
Variant type: Deletion.
Identifiers: ClinVar variation 1457042 (VCV001457042.3).

ClinVar aggregate classification (germline): Pathogenic (1 of 4 stars; one submission).

Submission:

Labcorp Genetics (formerly Invitae), Labcorp
Classification: Pathogenic. Last evaluated: 2021-06-28. Review status: criteria provided, single submitter. Criteria: Invitae Variant Classification Sherloc (09022015). Collection method: clinical testing. Allele origin: germline.
Comment: A gross deletion of the genomic region encompassing the full coding sequence of the COL4A3 gene has been identified. Loss-of-function variants in COL4A3 are known to be pathogenic (PMID: 8956999, 24854265, 26809805, 27281700). The boundaries of this event are unknown as they extend beyond the assayed region for this gene and therefore may encompass additional genes. A similar copy number variant has been observed in individual(s) with clinical features of Alport syndrome (PMID: 29801666). For these reasons, this variant has been classified as Pathogenic.

Literature cited by the submitters: PubMed 8956999; PubMed 24854265; PubMed 26809805; PubMed 27281700; PubMed 29801666.